The following is an entry in ClinVar:

ClinVar aggregate classification (germline): Uncertain significance. Review status: criteria provided, multiple submitters, no conflicts (2 of 4 stars). 3 submissions from 3 submitters: Uncertain significance (2). 1 of the submissions does not count toward it. Last evaluated 2024-01-09.

Conditions:
PKD1-related disorder. Also called: PKD1-related condition.
Polycystic kidney disease, adult type (PKD1). Also called: Polycystic Kidney, Autosomal Dominant; POLYCYSTIC KIDNEY DISEASE 1 WITH OR WITHOUT POLYCYSTIC LIVER DISEASE; Polycystic Kidney Disease 1, Autosomal Dominant; Polycystic kidney disease 1; Polycystic kidney disease 1, severe; POLYCYSTIC KIDNEY DISEASE, ADULT, TYPE I. Identifiers: MedGen C3149841, MONDO:0008263, OMIM 173900.
Inborn genetic diseases. Identifiers: MedGen C0950123, MeSH D030342.

Allele frequency attached by ClinVar (database versions not stated): ExAC 0.00012; TOPMed 0.00013; gnomAD 0.00014; 1000 Genomes Project 0.00060; 1000 Genomes Project 30x 0.00062.
gnomAD v4.1: 86 of 1,610,056 alleles (0.0053%); highest among the groups gnomAD compares: Admixed American, 0.068%; no homozygotes.

Submissions (3):

Ambry Genetics
Classification: Uncertain significance for Inborn genetic diseases. Last evaluated: 2024-01-09. Review status: criteria provided, single submitter. Criteria: Ambry Variant Classification Scheme 2023. Collection method: clinical testing. Allele origin: germline.

Department of Pathology and Laboratory Medicine, Sinai Health System
Classification: Uncertain significance for Polycystic kidney disease, adult type. Last evaluated: 2020-10-20. Review status: criteria provided, single submitter. Criteria: ACMG Guidelines, 2015. Collection method: clinical testing. Allele origin: germline. Affected: yes.

PreventionGenetics, part of Exact Sciences
Classification: Likely benign for PKD1-related condition. Last evaluated: 2022-09-21. Review status: no assertion criteria provided. Collection method: clinical testing. Allele origin: germline. Not counted in ClinVar's aggregate classification.
Comment: This variant is classified as likely benign based on ACMG/AMP sequence variant interpretation guidelines (Richards et al. 2015 PMID: 25741868, with internal and published modifications).

NM_001009944.3(PKD1):c.2773C>T (p.Arg925Trp)

Gene: PKD1 (polycystin 1, transient receptor potential channel interacting; minus strand). Cytogenetic location: 16p13.3.
Variant type: single nucleotide variant.
Coding change: c.2773C>T on transcript NM_001009944.3 (MANE Select); coding-DNA position 2773, C replaced by T.
Protein change: p.Arg925Trp; replaces arginine 925 with tryptophan.
Molecular consequence: missense variant.
Genome position (GRCh38, 1-based): chr16:2,114,250, G>A on the plus strand (C>T on the coding strand, the complement: PKD1 is on the minus strand). VCF-style: chr16-2114250-G-A. GRCh37 (hg19) VCF-style: chr16-2164251-G-A.
Other names: c.2773C>T, p.Arg925Trp (NM_000296.4); c.2773C>T (NM_000296.3); short protein forms R925W.
Identifiers: ClinVar variation 3057916 (VCV003057916.4), dbSNP rs549638171, ClinGen allele CA7833105.